The following is an entry in ClinVar:

NM_003052.5(SLC34A1):c.455dup (p.Ile154fs)

Gene: SLC34A1 (solute carrier family 34 member 1; plus strand). Cytogenetic location: 5q35.3.
Variant type: Duplication.
Coding change: c.455dup on transcript NM_003052.5 (MANE Select); coding-DNA position 455, one base duplicated (T; older notation c.455dupT).
Protein change: p.Ile154fs; shifts the reading frame from isoleucine 154.
Molecular consequence: frameshift variant.
Genome position (GRCh38, 1-based): chr5:177,386,489, T duplicated. VCF-style (leftmost placement, unchanged base first): chr5-177386488-G-GT. GRCh37 (hg19) VCF-style: chr5-176813489-G-GT.
Other names: c.455dup, p.Ile154fs (NM_001167579.2); short protein forms I154fs.
Identifiers: ClinVar variation 2030752 (VCV002030752.4), dbSNP rs2481010061, ClinGen allele CA2580074117.

ClinVar aggregate classification (germline): Pathogenic (1 of 4 stars; one submission).

Submission:

Labcorp Genetics (formerly Invitae), Labcorp
Classification: Pathogenic. Last evaluated: 2022-09-15. Review status: criteria provided, single submitter. Criteria: Invitae Variant Classification Sherloc (09022015). Collection method: clinical testing. Allele origin: germline.
Comment: This sequence change creates a premature translational stop signal (p.Ile154Aspfs*59) in the SLC34A1 gene. It is expected to result in an absent or disrupted protein product. Loss-of-function variants in SLC34A1 are known to be pathogenic (PMID: 26047794). This variant is not present in population databases (gnomAD no frequency). This variant has not been reported in the literature in individuals affected with SLC34A1-related conditions. For these reasons, this variant has been classified as Pathogenic.

Literature cited by the submitters: PubMed 26047794.